The following is an entry in ClinVar:

NM_032808.7(LINGO1):c.945G>A (p.Glu315=)

Gene: LINGO1 (leucine rich repeat and Ig domain containing 1; minus strand). Cytogenetic location: 15q24.3.
Variant type: single nucleotide variant.
Coding change: c.945G>A on transcript NM_032808.7 (MANE Select); coding-DNA position 945, G replaced by A.
Protein change: p.Glu315=; no amino-acid change (glutamic acid 315 retained).
Molecular consequence: synonymous variant.
Genome position (GRCh38, 1-based): chr15:77,614,962, C>T on the plus strand (G>A on the coding strand, the complement: LINGO1 is on the minus strand). VCF-style: chr15-77614962-C-T. GRCh37 (hg19) VCF-style: chr15-77907304-C-T.
Other names: c.927G>A, p.Glu309= (NM_001301186.2, NM_001301187.2, NM_001301189.2 and 8 more transcripts).
Identifiers: ClinVar variation 3052164 (VCV003052164.2), dbSNP rs187712243, ClinGen allele CA7677888.

ClinVar aggregate classification (germline): Likely benign (0 of 4 stars; one submission).

Conditions:
LINGO1-related disorder. Also called: LINGO1-related condition.

Allele frequency attached by ClinVar (database versions not stated): gnomAD exomes 0.00004; gnomAD 0.00009; TOPMed 0.00013; ExAC 0.00016; 1000 Genomes Project 0.00060; 1000 Genomes Project 30x 0.00062.
gnomAD v4.1: 81 of 1,613,938 alleles (0.005%); highest among the groups gnomAD compares: East Asian, 0.067%; no homozygotes.

Submission:

PreventionGenetics, part of Exact Sciences
Classification: Likely benign for LINGO1-related condition. Last evaluated: 2019-03-29. Review status: no assertion criteria provided. Collection method: clinical testing. Allele origin: germline.
Comment: This variant is classified as likely benign based on ACMG/AMP sequence variant interpretation guidelines (Richards et al. 2015 PMID: 25741868, with internal and published modifications).